The following is an entry in ClinVar:

ClinVar aggregate classification (germline): Uncertain significance (1 of 4 stars; one submission).

Conditions:
Majeed syndrome (MJDS). Also called: CHRONIC RECURRENT MULTIFOCAL OSTEOMYELITIS 1, WITH CONGENITAL DYSERYTHROPOIETIC ANEMIA, WITH OR WITHOUT NEUTROPHILIC DERMATOSIS; LPIN2-Related Majeed Syndrome. Identifiers: Orphanet 77297, MedGen C1864997, MONDO:0012316, OMIM 609628.

Allele frequency attached by ClinVar (database versions not stated): gnomAD exomes below 0.00001 and 0.00001; ExAC 0.00001; gnomAD 0.00001 and 0.00002; TOPMed 0.00002; 1000 Genomes Project 0.00020; 1000 Genomes Project 30x 0.00031.
gnomAD v4.1: 8 of 1,613,868 alleles (0.0005%); highest among the groups gnomAD compares: Admixed American, 0.012%; no homozygotes.

Submission:

ARUP Laboratories, Molecular Genetics and Genomics, ARUP Laboratories
Classification: Uncertain significance for Majeed syndrome. Last evaluated: 2018-09-13. Review status: criteria provided, single submitter. Criteria: ARUP Molecular Germline Variant Investigation Process. Collection method: clinical testing. Allele origin: germline.
Comment: The LPIN2 c.847C>T; p.His283Tyr variant (rs200426834), to our knowledge, is not reported in the medical literature or in gene-specific databases. The variant is reported in the general population with an overall population frequency of 0.0008% (2/243822 alleles) in the Genome Aggregation Database. The histidine at position 283 is weakly conserved and computational analyses (SIFT, PolyPhen-2) predict that this variant is tolerated. Altogether, there is not enough evidence to classify the p.His283Tyr variant with certainty. Pathogenic LPIN2 variants are causative for autosomal recessive Majeed syndrome (MIM: 6096280).

NM_001375808.2(LPIN2):c.847C>T (p.His283Tyr)

Gene: LPIN2 (lipin 2; minus strand). Cytogenetic location: 18p11.31.
Variant type: single nucleotide variant.
Coding change: c.847C>T on transcript NM_001375808.2 (MANE Select); coding-DNA position 847, C replaced by T.
Protein change: p.His283Tyr; replaces histidine 283 with tyrosine.
Molecular consequence: missense variant.
Genome position (GRCh38, 1-based): chr18:2,938,013, G>A on the plus strand (C>T on the coding strand, the complement: LPIN2 is on the minus strand). VCF-style: chr18-2938013-G-A. GRCh37 (hg19) VCF-style: chr18-2938011-G-A.
Other names: c.847C>T, p.His283Tyr (NM_001375809.1, NM_014646.2); short protein forms H283Y.
Identifiers: ClinVar variation 811755 (VCV000811755.8), dbSNP rs200426834, ClinGen allele CA8873265.